The following is an entry in ClinVar:

NM_021096.4(CACNA1I):c.4610A>T (p.Lys1537Met)

Gene: CACNA1I (calcium voltage-gated channel subunit alpha1 I; plus strand). Cytogenetic location: 22q13.1.
Variant type: single nucleotide variant.
Coding change: c.4610A>T on transcript NM_021096.4 (MANE Select); coding-DNA position 4610, A replaced by T.
Protein change: p.Lys1537Met; replaces lysine 1537 with methionine.
Molecular consequence: missense variant.
Genome position (GRCh38, 1-based): chr22:39,672,269, A>T. VCF-style: chr22-39672269-A-T. GRCh37 (hg19) VCF-style: chr22-40068274-A-T.
Other names: c.4505A>T, p.Lys1502Met (NM_001003406.2); short protein forms K1502M, K1537M.
Identifiers: ClinVar variation 2499876 (VCV002499876.1), dbSNP rs2518186065, ClinGen allele CA411628077.

ClinVar aggregate classification (germline): Uncertain significance (1 of 4 stars; one submission).

Submission:

GeneDx
Classification: Uncertain significance. Last evaluated: 2022-10-20. Review status: criteria provided, single submitter. Criteria: GeneDx Variant Classification Process June 2021. Collection method: clinical testing. Allele origin: germline. Affected: yes.
Comment: Not observed at significant frequency in large population cohorts (gnomAD); In silico analysis supports that this missense variant has a deleterious effect on protein structure/function; Has not been previously published as pathogenic or benign to our knowledge